The following is an entry in ClinVar:

ClinVar aggregate classification (germline): Uncertain significance (1 of 4 stars; one submission).

Allele frequency attached by ClinVar (database versions not stated): TOPMed 0.00001; gnomAD 0.00001.

Submission:

GeneDx
Classification: Uncertain significance. Last evaluated: 2025-11-06. Review status: criteria provided, single submitter. Criteria: GeneDx Variant Classification Process June 2021. Collection method: clinical testing. Allele origin: germline. Affected: yes.
Comment: Not observed at significant frequency in large population cohorts (gnomAD); In silico analysis indicates that this missense variant does not alter protein structure/function; In silico analysis is inconclusive as to whether the variant alters gene splicing. In the absence of RNA/functional studies, the actual effect of this sequence change is unknown.; Has not been previously published as pathogenic or benign to our knowledge

NM_014727.3(KMT2B):c.3059G>A (p.Gly1020Asp)

Gene: KMT2B (lysine methyltransferase 2B; plus strand). Cytogenetic location: 19q13.12.
Variant type: single nucleotide variant.
Coding change: c.3059G>A on transcript NM_014727.3 (MANE Select); coding-DNA position 3059, G replaced by A.
Protein change: p.Gly1020Asp; replaces glycine 1020 with aspartic acid.
Molecular consequence: missense variant.
Genome position (GRCh38, 1-based): chr19:35,723,732, G>A. VCF-style: chr19-35723732-G-A. GRCh37 (hg19) VCF-style: chr19-36214633-G-A.
Other names: short protein forms G1020D.
Identifiers: ClinVar variation 1328798 (VCV001328798.4), dbSNP rs1401659529, ClinGen allele CA405403500.